The following is an entry in ClinVar:

NM_024871.4(MAP6D1):c.304G>A (p.Ala102Thr)

Genes: MAP6D1 (MAP6 domain containing 1; minus strand), LOC129938031 (ATAC-STARR-seq lymphoblastoid silent region 14948; plus strand). Cytogenetic location: 3q27.1.
Variant type: single nucleotide variant.
Coding change: c.304G>A on transcript NM_024871.4 (MANE Select); coding-DNA position 304, G replaced by A.
Protein change: p.Ala102Thr; replaces alanine 102 with threonine.
Molecular consequence: missense variant.
Genome position (GRCh38, 1-based): chr3:183,825,244, C>T on the plus strand (G>A on the coding strand, the complement: MAP6D1 is on the minus strand). VCF-style: chr3-183825244-C-T. GRCh37 (hg19) VCF-style: chr3-183543032-C-T.
Other names: short protein forms A102T.
Identifiers: ClinVar variation 3353006 (VCV003353006.1).

ClinVar aggregate classification (germline): Benign (0 of 4 stars; one submission).

Conditions:
MAP6D1-related disorder. Also called: MAP6D1-related condition.

gnomAD v4.1: 3,106 of 1,382,560 alleles (0.22%); highest among the groups gnomAD compares: African/African-American, 4.2%; 65 homozygotes.

Submission:

PreventionGenetics, part of Exact Sciences
Classification: Benign for MAP6D1-related condition. Last evaluated: 2024-07-10. Review status: no assertion criteria provided. Collection method: clinical testing. Allele origin: germline.
Comment: This variant is classified as benign based on ACMG/AMP sequence variant interpretation guidelines (Richards et al. 2015 PMID: 25741868, with internal and published modifications).